The following is an entry in ClinVar:

NM_020779.4(WDR35):c.*2836C>T

Gene: WDR35 (WD repeat domain 35; minus strand). Cytogenetic location: 2p24.1.
Variant type: single nucleotide variant.
Coding change: c.*2836C>T on transcript NM_020779.4 (MANE Select); 2836 bases downstream of the stop codon, C replaced by T.
Molecular consequence: 3 prime UTR variant.
Genome position (GRCh38, 1-based): chr2:19,910,722, G>A on the plus strand (C>T on the coding strand, the complement: WDR35 is on the minus strand). VCF-style: chr2-19910722-G-A. GRCh37 (hg19) VCF-style: chr2-20110483-G-A.
Other names: c.*2836C>T (NM_001006657.2).
Identifiers: ClinVar variation 333326 (VCV000333326.5), dbSNP rs74469198, ClinGen allele CA10613650.

ClinVar aggregate classification (germline): Benign. Review status: criteria provided, single submitter (1 of 4 stars). 2 submissions from 1 submitter: Benign (2). Last evaluated 2018-01-12.

Conditions:
Short-rib thoracic dysplasia 7 with or without polydactyly (SRTD7). Also called: SHORT-RIB THORACIC DYSPLASIA 7 WITH POLYDACTYLY; Short rib polydactyly syndrome 5. Identifiers: Orphanet 498497, Orphanet 93271, MedGen C3279792, MONDO:0013569, OMIM 614091.
Cranioectodermal dysplasia 2 (CED2). Identifiers: Orphanet 1515, MedGen C3150874, MONDO:0013323, OMIM 613610.

Allele frequency attached by ClinVar (database versions not stated): gnomAD 0.02096 and 0.02297; TOPMed 0.02141; 1000 Genomes Project 0.03754; 1000 Genomes Project 30x 0.03763.

Submissions (2):

Illumina Laboratory Services, Illumina
Classification: Benign for Cranioectodermal dysplasia 2. Last evaluated: 2018-01-12. Review status: criteria provided, single submitter. Criteria: ICSL Variant Classification Criteria 13 December 2019. Collection method: clinical testing. Allele origin: germline.
Comment: This variant was observed in the ICSL laboratory as part of a predisposition screen in an ostensibly healthy population. It had not been previously curated by ICSL or reported in the Human Gene Mutation Database (HGMD: prior to June 1st, 2018), and was therefore a candidate for classification through an automated scoring system. Utilizing variant allele frequency, disease prevalence and penetrance estimates, and inheritance mode, an automated score was calculated to assess if this variant is too frequent to cause the disease. Based on the score and internal cut-off values, a variant classified as benign is not then subjected to further curation. The score for this variant resulted in a classification of benign for this disease.

Illumina Laboratory Services, Illumina
Classification: Benign for Short-rib thoracic dysplasia 7 with or without polydactyly. Last evaluated: 2018-01-12. Review status: criteria provided, single submitter. Criteria: ICSL Variant Classification Criteria 13 December 2019. Collection method: clinical testing. Allele origin: germline.
Comment: the same text as in the submission from Illumina Laboratory Services, Illumina above.